The following is an entry in ClinVar:

NM_022095.4(ZNF335):c.2442+9C>G

Gene: ZNF335 (zinc finger protein 335; minus strand). Cytogenetic location: 20q13.12.
Variant type: single nucleotide variant.
Coding change: c.2442+9C>G on transcript NM_022095.4 (MANE Select); 9 bases into the intron after coding-DNA position 2442, C replaced by G.
Molecular consequence: intron variant.
Genome position (GRCh38, 1-based): chr20:45,957,577, G>C on the plus strand (C>G on the coding strand, the complement: ZNF335 is on the minus strand). VCF-style: chr20-45957577-G-C. GRCh37 (hg19) VCF-style: chr20-44586216-G-C.
Identifiers: ClinVar variation 3041723 (VCV003041723.2), dbSNP rs771648777, ClinGen allele CA2653109640.

ClinVar aggregate classification (germline): Likely benign (0 of 4 stars; one submission).

Conditions:
ZNF335-related disorder. Also called: ZNF335-related condition.

Submission:

PreventionGenetics, part of Exact Sciences
Classification: Likely benign for ZNF335-related condition. Last evaluated: 2019-05-20. Review status: no assertion criteria provided. Collection method: clinical testing. Allele origin: germline.
Comment: This variant is classified as likely benign based on ACMG/AMP sequence variant interpretation guidelines (Richards et al. 2015 PMID: 25741868, with internal and published modifications).